The following is an entry in ClinVar:

NM_153676.4(USH1C):c.760-66T>C

Gene: USH1C (USH1 protein network component harmonin; minus strand). Cytogenetic location: 11p15.1.
Variant type: single nucleotide variant.
Coding change: c.760-66T>C on transcript NM_153676.4 (MANE Select); 66 bases into the intron before coding-DNA position 760, T replaced by C.
Molecular consequence: intron variant.
Genome position (GRCh38, 1-based): chr11:17,523,544, A>G on the plus strand (T>C on the coding strand, the complement: USH1C is on the minus strand). VCF-style: chr11-17523544-A-G. GRCh37 (hg19) VCF-style: chr11-17545091-A-G.
Other names: c.760-66T>C (NM_001297764.2, NM_005709.4).
Identifiers: ClinVar variation 678879 (VCV000678879.5), dbSNP rs4757539, ClinGen allele CA13438246.

ClinVar aggregate classification (germline): Benign. Review status: criteria provided, multiple submitters, no conflicts (2 of 4 stars). 4 submissions from 3 submitters: Benign (4). Last evaluated 2021-07-10.

Conditions:
Autosomal recessive nonsyndromic hearing loss 18A. Also called: DEAFNESS, AUTOSOMAL RECESSIVE 18; Deafness, autosomal recessive 18A. Identifiers: Orphanet 90636, MedGen C1865870, MONDO:0011192, OMIM 602092.
Usher syndrome type 1C. Also called: USHER SYNDROME, TYPE I, ACADIAN VARIETY. Identifiers: Orphanet 231169, Orphanet 886, MedGen C1848604, MONDO:0010171, OMIM 276904.

Allele frequency attached by ClinVar (database versions not stated): ESP Exome Variant Server 0.55957; gnomAD 0.56102 and 0.56732; TOPMed 0.56806; gnomAD exomes 0.58621; 1000 Genomes Project 30x 0.60743; 1000 Genomes Project 0.61402.
gnomAD v4.1: 896,387 of 1,533,868 alleles (58%); highest among the groups gnomAD compares: South Asian, 70%; 262,774 homozygotes.

Submissions (4):

Genome-Nilou Lab
Classification: Benign for Usher syndrome type 1C. Last evaluated: 2021-07-10. Review status: criteria provided, single submitter. Criteria: ACMG Guidelines, 2015. Collection method: clinical testing. Allele origin: germline. Affected: no.

Genome-Nilou Lab
Classification: Benign for Autosomal recessive nonsyndromic hearing loss 18A. Last evaluated: 2021-07-10. Review status: criteria provided, single submitter. Criteria: ACMG Guidelines, 2015. Collection method: clinical testing. Allele origin: germline. Affected: no.

GeneDx
Classification: Benign. Last evaluated: 2018-06-14. Review status: criteria provided, single submitter. Criteria: GeneDx Variant Classification (06012015). Collection method: clinical testing. Allele origin: germline. Affected: yes.
Comment: This variant is considered likely benign or benign based on one or more of the following criteria: it is a conservative change, it occurs at a poorly conserved position in the protein, it is predicted to be benign by multiple in silico algorithms, and/or has population frequency not consistent with disease.

Breakthrough Genomics
Classification: Benign. Review status: criteria provided, single submitter. Criteria: ACMG Guidelines, 2015. Collection method: not provided. Allele origin: germline. Inheritance: Autosomal recessive inheritance. Affected: yes.